The following is an entry in ClinVar:

NM_017671.5(FERMT1):c.52G>A (p.Val18Ile)

Gene: FERMT1 (FERM domain containing kindlin 1; minus strand). Cytogenetic location: 20p12.3.
Variant type: single nucleotide variant.
Coding change: c.52G>A on transcript NM_017671.5 (MANE Select); coding-DNA position 52, G replaced by A.
Protein change: p.Val18Ile; replaces valine 18 with isoleucine.
Molecular consequence: missense variant.
Genome position (GRCh38, 1-based): chr20:6,119,503, C>T on the plus strand (G>A on the coding strand, the complement: FERMT1 is on the minus strand). VCF-style: chr20-6119503-C-T. GRCh37 (hg19) VCF-style: chr20-6100150-C-T.
Other names: short protein forms V18I.
Identifiers: ClinVar variation 339236 (VCV000339236.6), dbSNP rs780463226, ClinGen allele CA9758559.

ClinVar aggregate classification (germline): Uncertain significance (1 of 4 stars; one submission).

Allele frequency attached by ClinVar (database versions not stated): gnomAD 0.00001 and 0.00002; ExAC 0.00003; gnomAD exomes 0.00004; TOPMed 0.00004.
gnomAD v4.1: 63 of 1,614,172 alleles (0.0039%); highest among the groups gnomAD compares: East Asian, 0.11%; no homozygotes.

Submission:

Labcorp Genetics (formerly Invitae), Labcorp
Classification: Uncertain significance. Last evaluated: 2022-06-01. Review status: criteria provided, single submitter. Criteria: Invitae Variant Classification Sherloc (09022015). Collection method: clinical testing. Allele origin: germline.
Comment: This sequence change replaces valine, which is neutral and non-polar, with isoleucine, which is neutral and non-polar, at codon 18 of the FERMT1 protein (p.Val18Ile). This variant is present in population databases (rs780463226, gnomAD 0.03%). This variant has not been reported in the literature in individuals affected with FERMT1-related conditions. ClinVar contains an entry for this variant (Variation ID: 339236). Algorithms developed to predict the effect of missense changes on protein structure and function (SIFT, PolyPhen-2, Align-GVGD) all suggest that this variant is likely to be tolerated. In summary, the available evidence is currently insufficient to determine the role of this variant in disease. Therefore, it has been classified as a Variant of Uncertain Significance.